The following is an entry in ClinVar:

NM_004655.4(AXIN2):c.1169G>A (p.Ser390Asn)

Gene: AXIN2 (axin 2; minus strand). Cytogenetic location: 17q24.1.
Variant type: single nucleotide variant.
Coding change: c.1169G>A on transcript NM_004655.4 (MANE Select); coding-DNA position 1169, G replaced by A.
Protein change: p.Ser390Asn; replaces serine 390 with asparagine.
Molecular consequence: missense variant.
Genome position (GRCh38, 1-based): chr17:65,538,234, C>T on the plus strand (G>A on the coding strand, the complement: AXIN2 is on the minus strand). VCF-style: chr17-65538234-C-T. GRCh37 (hg19) VCF-style: chr17-63534352-C-T.
Other names: c.1169G>A (LRG_296t1); c.1169G>A, p.Ser390Asn (NM_001363813.1); short protein forms S390N.
Identifiers: ClinVar variation 234787 (VCV000234787.12), dbSNP rs778900546, ClinGen allele CA8718847.
Genomic context (GRCh38, chr17:65,538,234, plus strand): 5'-AAGCAGGAAGAAGGCCTAGGCCGCATTACCTCTCGGATCTGCTGCAGGCGCTCCTCCAGG[C>T]TGTGGCGGCTCTCCAACTCCAGCTTCAGCTTTTCCAGCCTCGAGATCAGCTCAGCTGCAA-3'
Protein context (NP_004646.3, residues 380-400): KLKLELESRH[Ser390Asn]LEERLQQIRE

ClinVar aggregate classification (germline): Uncertain significance. Review status: criteria provided, multiple submitters, no conflicts (2 of 4 stars). 3 submissions from 3 submitters: Uncertain significance (3). Last evaluated 2025-10-06.

Conditions:
Hereditary cancer-predisposing syndrome. Also called: Hereditary neoplastic syndrome; Hereditary Cancer Syndrome; Neoplastic Syndromes, Hereditary; Tumor predisposition. Identifiers: Orphanet 140162, MedGen C0027672, MeSH D009386, MONDO:0015356.
Oligodontia-cancer predisposition syndrome. Also called: TOOTH AGENESIS-COLORECTAL CANCER SYNDROME. Identifiers: Orphanet 300576, MedGen C1837750, MONDO:0012075, OMIM 608615. Disease mechanism: loss of function.

Allele frequency attached by ClinVar (database versions not stated): gnomAD 0.00001.
gnomAD v4.1: 3 of 1,614,104 alleles (0.00019%); highest among the groups gnomAD compares: South Asian, 0.0022%; no homozygotes.

Submissions (3):

Ambry Genetics
Classification: Uncertain significance for Hereditary cancer-predisposing syndrome. Last evaluated: 2025-10-06. Review status: criteria provided, single submitter. Criteria: Ambry Variant Classification Scheme 2023. Collection method: clinical testing. Allele origin: germline.
Comment: The p.S390N variant (also known as c.1169G>A), located in coding exon 4 of the AXIN2 gene, results from a G to A substitution at nucleotide position 1169. The serine at codon 390 is replaced by asparagine, an amino acid with highly similar properties. This amino acid position is conserved. In addition, this alteration is predicted to be tolerated by in silico analysis. Since supporting evidence is limited at this time, the clinical significance of this alteration remains unclear.

Labcorp Genetics (formerly Invitae), Labcorp
Classification: Uncertain significance for Oligodontia-cancer predisposition syndrome. Last evaluated: 2025-03-23. Review status: criteria provided, single submitter. Criteria: Invitae Variant Classification Sherloc (09022015). Collection method: clinical testing. Allele origin: germline.
Comment: This sequence change replaces serine, which is neutral and polar, with asparagine, which is neutral and polar, at codon 390 of the AXIN2 protein (p.Ser390Asn). This variant is present in population databases (rs778900546, gnomAD 0.006%). This variant has not been reported in the literature in individuals affected with AXIN2-related conditions. ClinVar contains an entry for this variant (Variation ID: 234787). Invitae Evidence Modeling of protein sequence and biophysical properties (such as structural, functional, and spatial information, amino acid conservation, physicochemical variation, residue mobility, and thermodynamic stability) indicates that this missense variant is not expected to disrupt AXIN2 protein function with a negative predictive value of 80%. In summary, the available evidence is currently insufficient to determine the role of this variant in disease. Therefore, it has been classified as a Variant of Uncertain Significance.

GeneDx
Classification: Uncertain significance. Last evaluated: 2017-10-27. Review status: criteria provided, single submitter. Criteria: GeneDx Variant Classification (06012015). Collection method: clinical testing. Allele origin: germline. Affected: yes.
Comment: This variant is denoted AXIN2 c.1169G>A at the cDNA level, p.Ser390Asn (S390N) at the protein level, and results in the change of a Serine to an Asparagine (AGC>AAC). This variant has not, to our knowledge, been published in the literature as pathogenic or benign. AXIN2 Ser390Asn was not observed in large population cohorts (Lek 2016). Since Serine and Asparagine share similar properties, this is considered a conservative amino acid substitution. AXIN2 Ser390Asn occurs at a position that is not conserved and is located in the GSK3-beta binding domain (Salahshor 2005). In silico analyses are inconsistent regarding the effect this variant may have on protein structure and function. Based on currently available evidence, it is unclear whether AXIN2 Ser390Asn is a pathogenic or benign variant. We consider it to be a variant of uncertain significance.